The following is an entry in ClinVar:

ClinVar aggregate classification (germline): Uncertain significance. Review status: criteria provided, multiple submitters, no conflicts (2 of 4 stars). 2 submissions from 2 submitters: Uncertain significance (2). Last evaluated 2024-08-13.

Conditions:
Cardiovascular phenotype. Identifiers: MedGen CN230736.
Hereditary cancer-predisposing syndrome. Also called: Hereditary Cancer Syndrome; Hereditary neoplastic syndrome; Neoplastic Syndromes, Hereditary; Tumor predisposition. Identifiers: Orphanet 140162, MedGen C0027672, MeSH D009386, MONDO:0015356.
Neurofibromatosis, type 1 (NF1). Also called: VON RECKLINGHAUSEN DISEASE; Neurofibromatosis, type I; Peripheral type neurofibromatosis; NEUROFIBROMATOSIS, TYPE I, SOMATIC. Identifiers: Orphanet 636, MedGen C0027831, MONDO:0018975, OMIM 162200. Disease mechanism: loss of function.

Submissions (2):

Labcorp Genetics (formerly Invitae), Labcorp
Classification: Uncertain significance for Neurofibromatosis, type 1. Last evaluated: 2024-08-13. Review status: criteria provided, single submitter. Criteria: Invitae Variant Classification Sherloc (09022015). Collection method: clinical testing. Allele origin: germline.
Comment: This sequence change replaces glutamine, which is neutral and polar, with proline, which is neutral and non-polar, at codon 1981 of the NF1 protein (p.Gln1981Pro). This variant is not present in population databases (gnomAD no frequency). This variant has not been reported in the literature in individuals affected with NF1-related conditions. An algorithm developed to predict the effect of missense changes on protein structure and function (PolyPhen-2) suggests that this variant is likely to be disruptive. Algorithms developed to predict the effect of sequence changes on RNA splicing suggest that this variant may disrupt the consensus splice site. In summary, the available evidence is currently insufficient to determine the role of this variant in disease. Therefore, it has been classified as a Variant of Uncertain Significance.

Ambry Genetics
Classification: Uncertain significance for Cardiovascular phenotype; Hereditary cancer-predisposing syndrome. Last evaluated: 2023-07-12. Review status: criteria provided, single submitter. Criteria: Ambry Variant Classification Scheme 2023. Collection method: clinical testing. Allele origin: germline.
Comment: The p.Q1981P variant (also known as c.5942A>C), located in coding exon 39 of the NF1 gene, results from an A to C substitution at nucleotide position 5942. The glutamine at codon 1981 is replaced by proline, an amino acid with similar properties. This amino acid position is highly conserved in available vertebrate species. In addition, this alteration is predicted to be deleterious by in silico analysis. Since supporting evidence is limited at this time, the clinical significance of this alteration remains unclear.

NM_001042492.3(NF1):c.6005A>C (p.Gln2002Pro)

Gene: NF1 (neurofibromin 1; plus strand). Cytogenetic location: 17q11.2.
Variant type: single nucleotide variant.
Coding change: c.6005A>C on transcript NM_001042492.3 (MANE Select); coding-DNA position 6005, A replaced by C.
Protein change: p.Gln2002Pro; replaces glutamine 2002 with proline.
Molecular consequence: missense variant.
Genome position (GRCh38, 1-based): chr17:31,335,030, A>C. VCF-style: chr17-31335030-A-C. GRCh37 (hg19) VCF-style: chr17-29662048-A-C.
Other names: c.5942A>C, p.Gln1981Pro (NM_000267.4); short protein forms Q1981P, Q2002P.
Identifiers: ClinVar variation 2857596 (VCV002857596.4), dbSNP rs2151550787, ClinGen allele CA399010979.
Genomic context (GRCh38, chr17:31,335,030, plus strand): 5'-CCATCAATGAAAAACAGATGTACCCATCTATTCAAGCAAAAATATGGGGAAGCCTTGGGC[A>C]GGTATTGAGTTTGCTCAAATATTTATCTAGTATCTCCTTTGTGCACATATTTATCTGGTG-3'
Protein context (NP_001035957.1, residues 1992-2012): IQAKIWGSLG[Gln2002Pro]ITDLLDVVLD